The following is an entry in ClinVar:

NC_000023.10:g.(?_32305636)_(32361413_?)del

Gene: DMD (dystrophin; minus strand). Cytogenetic location: Xp21.1.
Variant type: Deletion.
Identifiers: ClinVar variation 1069848 (VCV001069848.1).

ClinVar aggregate classification (germline): Pathogenic (1 of 4 stars; one submission).

Conditions:
Duchenne muscular dystrophy (DMD). Also called: MUSCULAR DYSTROPHY, PSEUDOHYPERTROPHIC PROGRESSIVE, DUCHENNE TYPE; Duchenne Muscular Dystrophy (DMD). Identifiers: Orphanet 98896, MedGen C0013264, MONDO:0010679, OMIM 310200.

Submission:

Labcorp Genetics (formerly Invitae), Labcorp
Classification: Pathogenic for Duchenne muscular dystrophy. Last evaluated: 2020-09-27. Review status: criteria provided, single submitter. Criteria: Invitae Variant Classification Sherloc (09022015). Collection method: clinical testing. Allele origin: germline.
Comment: This variant is an out-of-frame deletion of the genomic region encompassing exon(s) 40-43 of the DMD gene. This is expected to create a premature translational stop signal and result in an absent or disrupted protein product. This variant has not been reported in the literature in individuals with DMD-related conditions. Loss-of-function variants in DMD are known to be pathogenic (PMID: 16770791, 25007885). For these reasons, this variant has been classified as Pathogenic.

Literature cited by the submitters: PubMed 16770791; PubMed 25007885.